The following is an entry in ClinVar:

ClinVar aggregate classification (germline): Uncertain significance. Review status: criteria provided, multiple submitters, no conflicts (2 of 4 stars). 2 submissions from 2 submitters: Uncertain significance (2). Last evaluated 2025-10-09.

Allele frequency attached by ClinVar (database versions not stated): gnomAD 0.00001; gnomAD exomes below 0.00001; ExAC 0.00001; TOPMed 0.00001.
gnomAD v4.1: 6 of 1,613,876 alleles (0.00037%); highest among the groups gnomAD compares: Admixed American, 0.0083%; no homozygotes.

Submissions (2):

Dasa
Classification: Uncertain significance. Last evaluated: 2025-10-09. Review status: criteria provided, single submitter. Criteria: DASA Assertion Criteria. Collection method: clinical testing. Allele origin: germline.
Comment: NM_003489.4(NRIP1):c.68G>T (p.Gly23Val) is a missense variant that results in the substitution of glycine with valine. This variant is rare in population databases. The currently available literature and clinical evidence are not sufficient to establish a definitive association between this variant and the reported condition. Therefore, this variant is classified as a variant of uncertain significance.

Labcorp Genetics (formerly Invitae), Labcorp
Classification: Uncertain significance. Last evaluated: 2025-09-15. Review status: criteria provided, single submitter. Criteria: Invitae Variant Classification Sherloc (09022015). Collection method: clinical testing. Allele origin: germline.
Comment: This sequence change replaces glycine, which is neutral and non-polar, with valine, which is neutral and non-polar, at codon 23 of the NRIP1 protein (p.Gly23Val). This variant is present in population databases (rs750663383, gnomAD 0.004%). This variant has not been reported in the literature in individuals affected with NRIP1-related conditions. ClinVar contains an entry for this variant (Variation ID: 2071514). An algorithm developed to predict the effect of missense changes on protein structure and function (PolyPhen-2) suggests that this variant is likely to be disruptive. In summary, the available evidence is currently insufficient to determine the role of this variant in disease. Therefore, it has been classified as a Variant of Uncertain Significance.

NM_003489.4(NRIP1):c.68G>T (p.Gly23Val)

Gene: NRIP1 (nuclear receptor interacting protein 1; minus strand). Cytogenetic location: 21q11.2.
Variant type: single nucleotide variant.
Coding change: c.68G>T on transcript NM_003489.4 (MANE Select); coding-DNA position 68, G replaced by T.
Protein change: p.Gly23Val; replaces glycine 23 with valine.
Molecular consequence: missense variant.
Genome position (GRCh38, 1-based): chr21:14,968,125, C>A on the plus strand (G>T on the coding strand, the complement: NRIP1 is on the minus strand). VCF-style: chr21-14968125-C-A. GRCh37 (hg19) VCF-style: chr21-16340446-C-A.
Other names: short protein forms G23V.
Identifiers: ClinVar variation 2071514 (VCV002071514.6), dbSNP rs750663383, ClinGen allele CA9981552.